The following is an entry in ClinVar:

ClinVar aggregate classification (germline): Uncertain significance. Review status: criteria provided, multiple submitters, no conflicts (2 of 4 stars). 3 submissions from 3 submitters: Uncertain significance (3). Last evaluated 2022-05-14.

Conditions:
Hereditary cancer-predisposing syndrome. Also called: Hereditary neoplastic syndrome; Tumor predisposition; Neoplastic Syndromes, Hereditary; Hereditary Cancer Syndrome. Identifiers: Orphanet 140162, MedGen C0027672, MeSH D009386, MONDO:0015356.
Microcephaly, normal intelligence and immunodeficiency (NBS). Also called: Immunodeficiency, microcephaly with normal intelligence; Nijmegen breakage syndrome; Ataxia telangiectasia variant V1; SEEMANOVA SYNDROME II; BERLIN BREAKAGE SYNDROME; IMMUNODEFICIENCY, MICROCEPHALY, AND CHROMOSOMAL INSTABILITY. Identifiers: Orphanet 647, MedGen C0398791, MONDO:0009623, OMIM 251260.

Submissions (3):

Ambry Genetics
Classification: Uncertain significance for Hereditary cancer-predisposing syndrome. Last evaluated: 2022-05-14. Review status: criteria provided, single submitter. Criteria: Ambry Variant Classification Scheme 2023. Collection method: clinical testing. Allele origin: germline.
Comment: The p.E721Q variant (also known as c.2161G>C), located in coding exon 14 of the NBN gene, results from a G to C substitution at nucleotide position 2161. The glutamic acid at codon 721 is replaced by glutamine, an amino acid with highly similar properties. This amino acid position is conserved. In addition, this alteration is predicted to be tolerated by in silico analysis. Since supporting evidence is limited at this time, the clinical significance of this alteration remains unclear.

Sema4
Classification: Uncertain significance for Hereditary cancer-predisposing syndrome. Last evaluated: 2021-05-28. Review status: criteria provided, single submitter. Criteria: Sema4 Curation Guidelines. Collection method: curation. Allele origin: germline.
Comment: The NBN c.2161G>C (p.E721Q) variant has not been reported in the literature to our knowledge. It was not observed in the large and broad cohorts of the Genome Aggregation Database (PMID: 32461654) but has been reported in ClinVar (Variation ID: 960041). In silico tools suggest the impact of the variant on protein function is benign, though these predictions have not been confirmed by functional studies. The evidence is insufficient to meet ACMG/AMP criteria for classifying the variant as benign or pathogenic. Thus, the clinical significance of this variant is currently uncertain.

Labcorp Genetics (formerly Invitae), Labcorp
Classification: Uncertain significance for Microcephaly, normal intelligence and immunodeficiency. Last evaluated: 2019-10-29. Review status: criteria provided, single submitter. Criteria: Invitae Variant Classification Sherloc (09022015). Collection method: clinical testing. Allele origin: germline.
Comment: In summary, the available evidence is currently insufficient to determine the role of this variant in disease. Therefore, it has been classified as a Variant of Uncertain Significance. Algorithms developed to predict the effect of missense changes on protein structure and function (SIFT, PolyPhen-2, Align-GVGD) all suggest that this variant is likely to be tolerated, but these predictions have not been confirmed by published functional studies and their clinical significance is uncertain. This variant has not been reported in the literature in individuals with NBN-related conditions. This variant is not present in population databases (ExAC no frequency). This sequence change replaces glutamic acid with glutamine at codon 721 of the NBN protein (p.Glu721Gln). The glutamic acid residue is moderately conserved and there is a small physicochemical difference between glutamic acid and glutamine.

NM_002485.5(NBN):c.2161G>C (p.Glu721Gln)

Gene: NBN (nibrin; minus strand). Cytogenetic location: 8q21.3.
Variant type: single nucleotide variant.
Coding change: c.2161G>C on transcript NM_002485.5 (MANE Select); coding-DNA position 2161, G replaced by C.
Protein change: p.Glu721Gln; replaces glutamic acid 721 with glutamine.
Molecular consequence: missense variant.
Genome position (GRCh38, 1-based): chr8:89,943,276, C>G on the plus strand (G>C on the coding strand, the complement: NBN is on the minus strand). VCF-style: chr8-89943276-C-G. GRCh37 (hg19) VCF-style: chr8-90955504-C-G.
Other names: c.1915G>C, p.Glu639Gln (NM_001024688.3); short protein forms E639Q, E721Q.
Identifiers: ClinVar variation 960041 (VCV000960041.13), dbSNP rs1064795816, ClinGen allele CA371675360.
Genomic context (GRCh38, chr8:89,943,276, plus strand): 5'-AATTTAAGCAAGTTTCTGGGCCTCACTTCCTACTAACCTCCATTTCCTGCCTTAGCCACT[C>G]TTCTAGTTCTGTATTCTTTCGAGCATGATGAGCTATTAGATCTGATCCTCCAATGATGTG-3'
Protein context (NP_002476.2, residues 711-731): HHARKNTELE[Glu721Gln]WLRQEMEVQN